The following is an entry in ClinVar:

ClinVar aggregate classification (germline): Likely benign (1 of 4 stars; one submission).

Allele frequency attached by ClinVar (database versions not stated): TOPMed 0.00015; ExAC 0.00022; ESP Exome Variant Server 0.00031; gnomAD 0.00046.
gnomAD v4.1: 424 of 1,613,824 alleles (0.026%); highest among the groups gnomAD compares: Non-Finnish European, 0.034%; no homozygotes.

Submission:

CeGaT Center for Human Genetics Tuebingen
Classification: Likely benign. Last evaluated: 2022-05-01. Review status: criteria provided, single submitter. Criteria: CeGaT Center For Human Genetics Tuebingen Variant Classification Criteria Version 2. Collection method: clinical testing. Allele origin: germline. Affected: yes. Observed: 1 variant allele.
Comment: FLYWCH1: BP4, BP7

NM_001308068.2(FLYWCH1):c.108C>G (p.Pro36=)

Gene: FLYWCH1 (FLYWCH-type zinc finger 1; plus strand). Cytogenetic location: 16p13.3.
Variant type: single nucleotide variant.
Coding change: c.108C>G on transcript NM_001308068.2 (MANE Select); coding-DNA position 108, C replaced by G.
Protein change: p.Pro36=; no amino-acid change (proline 36 retained).
Molecular consequence: synonymous variant.
Genome position (GRCh38, 1-based): chr16:2,929,793, C>G. VCF-style: chr16-2929793-C-G. GRCh37 (hg19) VCF-style: chr16-2979794-C-G.
Other names: c.108C>G, p.Pro36= (NM_020912.2, NM_032296.3).
Identifiers: ClinVar variation 2646085 (VCV002646085.24), dbSNP rs373096823, ClinGen allele CA7851584.
Genomic context (GRCh38, chr16:2,929,793, plus strand): 5'-CGGCCAGGAGCCATCCCCCAAGCCAGGCACGGACGTCATCCCGGCAGCCCCCAGGAAGCC[C>G]AGGGAGTTCTCCAAACTGGTGCTGCTCACAGCCTCCGACCAAGATGAGGATGGGGTGGGA-3'
Protein context (NP_001294997.1, residues 26-46): TDVIPAAPRK[Pro36=]REFSKLVLLT